The following is an entry in ClinVar:

ClinVar aggregate classification (germline): Benign/Likely benign. Review status: criteria provided, multiple submitters, no conflicts (2 of 4 stars). 2 submissions from 2 submitters: Benign (1); Likely benign (1). Last evaluated 2018-01-12.

Conditions:
Progressive myoclonic epilepsy type 3. Also called: EPILEPSY, PROGRESSIVE MYOCLONIC, 3, WITHOUT INTRACELLULAR INCLUSIONS; KCTD7-Related Progressive Myoclonic Epilepsy; EPILEPSY, PROGRESSIVE MYOCLONIC, 3, WITH OR WITHOUT INTRACELLULAR INCLUSIONS; CEROID LIPOFUSCINOSIS, NEURONAL, 14. Identifiers: Orphanet 263516, MedGen C2673257, MONDO:0012721, OMIM 611726.

Allele frequency attached by ClinVar (database versions not stated): gnomAD exomes 0.00012; gnomAD 0.00013 and 0.00015; TOPMed 0.00015; ExAC 0.00023; 1000 Genomes Project 30x 0.00031.
gnomAD v4.1: 134 of 1,473,840 alleles (0.0091%); highest among the groups gnomAD compares: East Asian, 0.088%; 2 homozygotes.

Submissions (2):

Illumina Laboratory Services, Illumina
Classification: Likely benign for Progressive myoclonic epilepsy type 3. Last evaluated: 2018-01-12. Review status: criteria provided, single submitter. Criteria: ICSL Variant Classification Criteria 13 December 2019. Collection method: clinical testing. Allele origin: germline.
Comment: This variant was observed in the ICSL laboratory as part of a predisposition screen in an ostensibly healthy population. It had not been previously curated by ICSL or reported in the Human Gene Mutation Database (HGMD: prior to June 1st, 2018), and was therefore a candidate for classification through an automated scoring system. Utilizing variant allele frequency, disease prevalence and penetrance estimates, and inheritance mode, an automated score was calculated to assess if this variant is too frequent to cause the disease. Based on the score and internal cut-off values, a variant classified as likely benign is not then subjected to further curation. The score for this variant resulted in a classification of likely benign for this disease.

GeneDx
Classification: Benign. Last evaluated: 2014-03-05. Review status: criteria provided, single submitter. Criteria: GeneDx Variant Classification (06012015). Collection method: clinical testing. Allele origin: germline. Affected: yes.
Comment: This variant is considered likely benign or benign based on one or more of the following criteria: it is a conservative change, it occurs at a poorly conserved position in the protein, it is predicted to be benign by multiple in silico algorithms, and/or has population frequency not consistent with disease.

NM_153033.5(KCTD7):c.-49C>T

Genes: KCTD7 (potassium channel tetramerization domain containing 7; plus strand), LOC129998533 (ATAC-STARR-seq lymphoblastoid silent region 18210; plus strand). Cytogenetic location: 7q11.21.
Variant type: single nucleotide variant.
Coding change: c.-49C>T on transcript NM_153033.5 (MANE Select); 49 bases upstream of the start codon, C replaced by T.
Molecular consequence: 5 prime UTR variant.
Genome position (GRCh38, 1-based): chr7:66,629,016, C>T. VCF-style: chr7-66629016-C-T. GRCh37 (hg19) VCF-style: chr7-66094003-C-T.
Other names: c.-49C>T (NM_001167961.2).
Identifiers: ClinVar variation 138056 (VCV000138056.5), dbSNP rs374505432, ClinGen allele CA291854.
Genomic context (GRCh38, chr7:66,629,016, plus strand): 5'-CCAGCCCGCAGCCGGCCGCGTCATGCCAGGCGCTGCTCGGCGGTAGGGAGTGCCCGGGGC[C>T]GCCGCCTCCGCCCGCCCGAAGCCGCGCCCACTGCCCAGAGCCAGAGGGATGGTGGTAGTC-3'